The following is an entry in ClinVar:

ClinVar aggregate classification (germline): Uncertain significance. Review status: criteria provided, multiple submitters, no conflicts (2 of 4 stars). 3 submissions from 3 submitters: Uncertain significance (2). 1 of the submissions does not count toward it. Last evaluated 2025-04-11.

Conditions:
Walker-Warburg congenital muscular dystrophy. Also called: Walker-Warburg syndrome; Muscular dystrophy-dystroglycanopathy, type A. Identifiers: Orphanet 899, MedGen C0265221, MONDO:0000171.
Autosomal recessive limb-girdle muscular dystrophy type 2I. Also called: MUSCULAR DYSTROPHY-DYSTROGLYCANOPATHY, LIMB-GIRDLE, FRKP-RELATED; MUSCULAR DYSTROPHY, LIMB-GIRDLE, TYPE 2I; MUSCULAR DYSTROPHY-DYSTROGLYCANOPATHY (LIMB-GIRDLE), TYPE C, 5. Identifiers: Orphanet 34515, MedGen C1846672, MONDO:0011787, OMIM 607155.

Allele frequency attached by ClinVar (database versions not stated): gnomAD exomes below 0.00001.

Submissions (3):

Mayo Clinic Laboratories, Mayo Clinic
Classification: Uncertain significance. Last evaluated: 2025-04-11. Review status: criteria provided, single submitter. Criteria: ACMG Guidelines, 2015. Collection method: clinical testing. Allele origin: germline. Observed: 1 variant allele.
Comment: PM2_supporting

Labcorp Genetics (formerly Invitae), Labcorp
Classification: Uncertain significance for Walker-Warburg congenital muscular dystrophy. Last evaluated: 2021-08-30. Review status: criteria provided, single submitter. Criteria: Invitae Variant Classification Sherloc (09022015). Collection method: clinical testing. Allele origin: germline.
Comment: This sequence change replaces valine with isoleucine at codon 477 of the FKRP protein (p.Val477Ile). The valine residue is moderately conserved and there is a small physicochemical difference between valine and isoleucine. This variant is not present in population databases (ExAC no frequency). This variant has not been reported in the literature in individuals affected with FKRP-related conditions. Algorithms developed to predict the effect of missense changes on protein structure and function (SIFT, PolyPhen-2, Align-GVGD) all suggest that this variant is likely to be tolerated. In summary, the available evidence is currently insufficient to determine the role of this variant in disease. Therefore, it has been classified as a Variant of Uncertain Significance.

Natera, Inc.
Classification: Uncertain significance for Limb-girdle muscular dystrophy type 2I. Last evaluated: 2021-06-29. Review status: no assertion criteria provided. Collection method: clinical testing. Allele origin: germline. Not counted in ClinVar's aggregate classification.

NM_024301.5(FKRP):c.1429G>A (p.Val477Ile)

Gene: FKRP (fukutin related protein; plus strand). Cytogenetic location: 19q13.32.
Variant type: single nucleotide variant.
Coding change: c.1429G>A on transcript NM_024301.5 (MANE Select); coding-DNA position 1429, G replaced by A.
Protein change: p.Val477Ile; replaces valine 477 with isoleucine.
Molecular consequence: missense variant.
Genome position (GRCh38, 1-based): chr19:46,756,879, G>A. VCF-style: chr19-46756879-G-A. GRCh37 (hg19) VCF-style: chr19-47260136-G-A.
Other names: p.Val477Ile; c.1429G>A, p.Val477Ile (NM_001039885.3); short protein forms V477I.
Identifiers: ClinVar variation 972230 (VCV000972230.8), dbSNP rs1424035060, ClinGen allele CA406497346.